The following is an entry in ClinVar:

ClinVar aggregate classification (germline): Uncertain significance (1 of 4 stars; one submission).

Allele frequency attached by ClinVar (database versions not stated): ExAC 0.00001; gnomAD 0.00001; gnomAD exomes 0.00003; ESP Exome Variant Server 0.00009.
gnomAD v4.1: 30 of 1,172,664 alleles (0.0026%); highest among the groups gnomAD compares: Non-Finnish European, 0.0035%; no homozygotes.

Submission:

GeneDx
Classification: Uncertain significance. Last evaluated: 2025-05-08. Review status: criteria provided, single submitter. Criteria: GeneDx Variant Classification Process June 2021. Collection method: clinical testing. Allele origin: germline.
Comment: In silico analysis supports that this missense variant has a deleterious effect on protein structure/function; Has not been previously published as pathogenic or benign to our knowledge

NM_001291415.2(KDM6A):c.719A>G (p.Gln240Arg)

Gene: KDM6A (lysine demethylase 6A; plus strand). Cytogenetic location: Xp11.3.
Variant type: single nucleotide variant.
Coding change: c.719A>G on transcript NM_001291415.2 (MANE Select); coding-DNA position 719, A replaced by G.
Protein change: p.Gln240Arg; replaces glutamine 240 with arginine.
Molecular consequence: missense variant. On other transcripts: 5 prime UTR variant (1), non-coding transcript variant (1).
Genome position (GRCh38, 1-based): chrX:45,051,773, A>G. VCF-style: chrX-45051773-A-G. GRCh37 (hg19) VCF-style: chrX-44911018-A-G.
Other names: c.719A>G, p.Gln240Arg (NM_001291416.2, NM_001291417.2, NM_001291418.2 and 9 more transcripts); c.-35A>G (NM_001291421.2); short protein forms Q240R.
Identifiers: ClinVar variation 2502543 (VCV002502543.2), dbSNP rs151193716, ClinGen allele CA10392248.